The following is an entry in ClinVar:

NM_006361.6(HOXB13):c.811G>A (p.Glu271Lys)

Gene: HOXB13 (homeobox B13; minus strand). Cytogenetic location: 17q21.32.
Variant type: single nucleotide variant.
Coding change: c.811G>A on transcript NM_006361.6 (MANE Select); coding-DNA position 811, G replaced by A.
Protein change: p.Glu271Lys; replaces glutamic acid 271 with lysine.
Molecular consequence: missense variant.
Genome position (GRCh38, 1-based): chr17:48,726,834, C>T on the plus strand (G>A on the coding strand, the complement: HOXB13 is on the minus strand). VCF-style: chr17-48726834-C-T. GRCh37 (hg19) VCF-style: chr17-46804196-C-T.
Other names: short protein forms E271K.
Identifiers: ClinVar variation 691214 (VCV000691214.18), dbSNP rs1597932467, ClinGen allele CA400105491.

ClinVar aggregate classification (germline): Uncertain significance. Review status: criteria provided, multiple submitters, no conflicts (2 of 4 stars). 4 submissions from 4 submitters: Uncertain significance (3). 1 of the submissions does not count toward it. Last evaluated 2026-01-26.

Conditions:
Prostate cancer, hereditary, 1 (HPC1). Identifiers: Orphanet 1331, MedGen C4722327, MONDO:0011098, OMIM 601518.
Hereditary cancer-predisposing syndrome. Also called: Neoplastic Syndromes, Hereditary; Tumor predisposition; Hereditary neoplastic syndrome; Hereditary Cancer Syndrome. Identifiers: Orphanet 140162, MedGen C0027672, MeSH D009386, MONDO:0015356.

Allele frequency attached by ClinVar (database versions not stated): gnomAD exomes below 0.00001.

Submissions (4):

Labcorp Genetics (formerly Invitae), Labcorp
Classification: Uncertain significance. Last evaluated: 2026-01-26. Review status: criteria provided, single submitter. Criteria: Invitae Variant Classification Sherloc (09022015). Collection method: clinical testing. Allele origin: germline.
Comment: This sequence change replaces glutamic acid, which is acidic and polar, with lysine, which is basic and polar, at codon 271 of the HOXB13 protein (p.Glu271Lys). This variant is not present in population databases (gnomAD no frequency). This variant has not been reported in the literature in individuals affected with HOXB13-related conditions. ClinVar contains an entry for this variant (Variation ID: 691214). Invitae Evidence Modeling of protein sequence and biophysical properties (such as structural, functional, and spatial information, amino acid conservation, physicochemical variation, residue mobility, and thermodynamic stability) indicates that this missense variant is not expected to disrupt HOXB13 protein function with a negative predictive value of 80%. In summary, the available evidence is currently insufficient to determine the role of this variant in disease. Therefore, it has been classified as a Variant of Uncertain Significance.

Ambry Genetics
Classification: Uncertain significance for Hereditary cancer-predisposing syndrome. Last evaluated: 2025-01-08. Review status: criteria provided, single submitter. Criteria: Ambry Variant Classification Scheme 2023. Collection method: clinical testing. Allele origin: germline.
Comment: The p.E271K variant (also known as c.811G>A), located in coding exon 2 of the HOXB13 gene, results from a G to A substitution at nucleotide position 811. The glutamic acid at codon 271 is replaced by lysine, an amino acid with similar properties. This amino acid position is highly conserved in available vertebrate species. In addition, this alteration is predicted to be deleterious by in silico analysis. Since supporting evidence is limited at this time, the clinical significance of this alteration remains unclear.

GeneDx
Classification: Uncertain significance. Last evaluated: 2023-06-07. Review status: criteria provided, single submitter. Criteria: GeneDx Variant Classification Process June 2021. Collection method: clinical testing. Allele origin: germline. Affected: yes.
Comment: Not observed at significant frequency in large population cohorts (gnomAD); In silico analysis supports that this missense variant has a deleterious effect on protein structure/function; Has not been previously published as pathogenic or benign to our knowledge; This variant is associated with the following publications: (PMID: 8756292, 19389631, Abumsimir2020[somatic])

Laboratory of Virology, Microbiology,  Quality and Medical Biotechnologies, Faculty of Sciences and Techniques - Mohammedia, Hassan II University of Casablanca
Classification: Uncertain significance for Prostate cancer, hereditary, 1. Review status: no assertion criteria provided. Collection method: clinical testing. Allele origin: somatic. Affected: yes. Not counted in ClinVar's aggregate classification.